The following is an entry in ClinVar:

ClinVar aggregate classification (germline): Uncertain significance (1 of 4 stars; one submission).

gnomAD v4.1: 1 of 1,614,182 alleles (0.000062%); highest among the groups gnomAD compares: Non-Finnish European, 0.000085%; no homozygotes.

Submission:

GeneDx
Classification: Uncertain significance. Last evaluated: 2024-01-19. Review status: criteria provided, single submitter. Criteria: GeneDx Variant Classification Process June 2021. Collection method: clinical testing. Allele origin: germline. Affected: yes.
Comment: Has not been previously published as pathogenic or benign to our knowledge; Not observed at significant frequency in large population cohorts (gnomAD); In silico analysis supports that this missense variant does not alter protein structure/function

NM_032340.4(UQCC2):c.261G>C (p.Glu87Asp)

Gene: UQCC2 (ubiquinol-cytochrome c reductase complex assembly factor 2; minus strand). Cytogenetic location: 6p21.31.
Variant type: single nucleotide variant.
Coding change: c.261G>C on transcript NM_032340.4 (MANE Select); coding-DNA position 261, G replaced by C.
Protein change: p.Glu87Asp; replaces glutamic acid 87 with aspartic acid.
Molecular consequence: missense variant.
Genome position (GRCh38, 1-based): chr6:33,700,466, C>G on the plus strand (G>C on the coding strand, the complement: UQCC2 is on the minus strand). VCF-style: chr6-33700466-C-G. GRCh37 (hg19) VCF-style: chr6-33668243-C-G.
Other names: short protein forms E87D.
Identifiers: ClinVar variation 3368046 (VCV003368046.1).